The following is an entry in ClinVar:

NM_001008777.3(FBXO47):c.1152T>A (p.Phe384Leu)

Gene: FBXO47 (F-box protein 47; minus strand). Cytogenetic location: 17q12.
Variant type: single nucleotide variant.
Coding change: c.1152T>A on transcript NM_001008777.3 (MANE Select); coding-DNA position 1152, T replaced by A.
Protein change: p.Phe384Leu; replaces phenylalanine 384 with leucine.
Molecular consequence: missense variant.
Genome position (GRCh38, 1-based): chr17:38,938,664, A>T on the plus strand (T>A on the coding strand, the complement: FBXO47 is on the minus strand). VCF-style: chr17-38938664-A-T. GRCh37 (hg19) VCF-style: chr17-37094917-A-T.
Other names: short protein forms F384L.
Identifiers: ClinVar variation 3035856 (VCV003035856.2), dbSNP rs187260473, ClinGen allele CA8527092.

ClinVar aggregate classification (germline): Likely benign (0 of 4 stars; one submission).

Conditions:
FBXO47-related disorder. Also called: FBXO47-related condition.

Allele frequency attached by ClinVar (database versions not stated): gnomAD 0.00020; TOPMed 0.00025; 1000 Genomes Project 0.00060; 1000 Genomes Project 30x 0.00062.
gnomAD v4.1: 387 of 1,613,674 alleles (0.024%); highest among the groups gnomAD compares: East Asian, 0.83%; 3 homozygotes.

Submission:

PreventionGenetics, part of Exact Sciences
Classification: Likely benign for FBXO47-related condition. Last evaluated: 2019-08-09. Review status: no assertion criteria provided. Collection method: clinical testing. Allele origin: germline.
Comment: This variant is classified as likely benign based on ACMG/AMP sequence variant interpretation guidelines (Richards et al. 2015 PMID: 25741868, with internal and published modifications).